The following is an entry in ClinVar:

NM_201253.3(CRB1):c.3534C>T (p.Ile1178=)

Gene: CRB1 (crumbs cell polarity complex component 1; plus strand). Cytogenetic location: 1q31.3.
Variant type: single nucleotide variant.
Coding change: c.3534C>T on transcript NM_201253.3 (MANE Select); coding-DNA position 3534, C replaced by T.
Protein change: p.Ile1178=; no amino-acid change (isoleucine 1178 retained).
Molecular consequence: synonymous variant. On other transcripts: non-coding transcript variant (2), intron variant (1).
Genome position (GRCh38, 1-based): chr1:197,435,397, C>T. VCF-style: chr1-197435397-C-T. GRCh37 (hg19) VCF-style: chr1-197404527-C-T.
Other names: c.3198C>T, p.Ile1066= (NM_001193640.2); c.3462C>T, p.Ile1154= (NM_001257965.2); c.2129-203C>T (NM_001257966.2); c.3534C>T (NM_201253.2).
Identifiers: ClinVar variation 1087409 (VCV001087409.34), dbSNP rs753331276, ClinGen allele CA1312350.
Genomic context (GRCh38, chr1:197,435,397, plus strand): 5'-TAGCTCTTATCATTGCTCCTGTCCCTTGGGATGGTCAGGGAAACACTGTGAACTCAACAT[C>T]GATGAATGCTTTTCAAACCCCTGTATCCATGGCAACTGCTCTGACAGAGTTGCAGCCTAC-3'
Protein context (NP_957705.1, residues 1168-1188): GWSGKHCELN[Ile1178=]DECFSNPCIH

ClinVar aggregate classification (germline): Likely benign. Review status: criteria provided, multiple submitters, no conflicts (2 of 4 stars). 7 submissions from 5 submitters: Likely benign (7). Last evaluated 2026-01-21.

Conditions:
CRB1-related disorder. Also called: CRB1-related condition; CRB1-related disorders.
Retinitis pigmentosa 12 (RP12). Also called: RP WITH OR WITHOUT PRESERVED PARAARTERIOLE RETINAL PIGMENT EPITHELIUM; RETINITIS PIGMENTOSA WITH OR WITHOUT PARAARTERIOLAR PRESERVATION OF RETINAL PIGMENT EPITHELIUM; RP WITH OR WITHOUT PPRPE. Identifiers: Orphanet 791, MedGen C1838647, MONDO:0010818, OMIM 600105.
Leber congenital amaurosis 8 (LCA8). Identifiers: Orphanet 65, MedGen C3151202, MONDO:0013453, OMIM 613835.
Pigmented paravenous retinochoroidal atrophy. Identifiers: Orphanet 251295, MedGen C1868310, MONDO:0008246, OMIM 172870.

Allele frequency attached by ClinVar (database versions not stated): TOPMed 0.00003; gnomAD 0.00005.
gnomAD v4.1: 53 of 1,606,638 alleles (0.0033%); highest among the groups gnomAD compares: Non-Finnish European, 0.0042%; no homozygotes.

Submissions (7):

Labcorp Genetics (formerly Invitae), Labcorp
Classification: Likely benign for Leber congenital amaurosis 8; Retinitis pigmentosa 12. Last evaluated: 2026-01-21. Review status: criteria provided, single submitter. Criteria: Invitae Variant Classification Sherloc (09022015). Collection method: clinical testing. Allele origin: germline.

PreventionGenetics, part of Exact Sciences
Classification: Likely benign for CRB1-related condition. Last evaluated: 2025-10-08. Review status: criteria provided, single submitter. Criteria: ACMG Guidelines, 2015. Collection method: clinical testing. Allele origin: germline.
Comment: This variant is classified as likely benign based on ACMG/AMP sequence variant interpretation guidelines (Richards et al. 2015 PMID: 25741868, with internal and published modifications).

Blueprint Genetics
Classification: Likely benign. Last evaluated: 2024-09-18. Review status: criteria provided, single submitter. Criteria: ACMG Guidelines, 2015. Collection method: clinical testing. Allele origin: germline.

Genome-Nilou Lab
Classification: Likely benign for Leber congenital amaurosis 8. Last evaluated: 2023-04-11. Review status: criteria provided, single submitter. Criteria: ACMG Guidelines, 2015. Collection method: clinical testing. Allele origin: germline. Affected: no.

Genome-Nilou Lab
Classification: Likely benign for Pigmented paravenous retinochoroidal atrophy. Last evaluated: 2023-04-11. Review status: criteria provided, single submitter. Criteria: ACMG Guidelines, 2015. Collection method: clinical testing. Allele origin: germline. Affected: no.

Genome-Nilou Lab
Classification: Likely benign for Retinitis pigmentosa 12. Last evaluated: 2023-04-11. Review status: criteria provided, single submitter. Criteria: ACMG Guidelines, 2015. Collection method: clinical testing. Allele origin: germline. Affected: no.

CeGaT Center for Human Genetics Tuebingen
Classification: Likely benign. Last evaluated: 2022-12-01. Review status: criteria provided, single submitter. Criteria: CeGaT Center For Human Genetics Tuebingen Variant Classification Criteria Version 2. Collection method: clinical testing. Allele origin: germline. Affected: yes. Observed: 1 variant allele.
Comment: CRB1: BP4, BP7